The following is an entry in ClinVar:

NM_000170.3(GLDC):c.2366del (p.Lys789fs)

Gene: GLDC (glycine decarboxylase; minus strand). Cytogenetic location: 9p24.1.
Variant type: Deletion.
Coding change: c.2366del on transcript NM_000170.3 (MANE Select); coding-DNA position 2366, one base deleted (A; older notation c.2366delA).
Protein change: p.Lys789fs; shifts the reading frame from lysine 789.
Molecular consequence: frameshift variant.
Genome position (GRCh38, 1-based): chr9:6,553,459, T deleted on the plus strand (A on the coding strand, the reverse complement: GLDC is on the minus strand); the first of 3 consecutive T bases (chr9:6,553,459-6,553,461); deleting any one gives the same sequence. VCF-style (leftmost placement, unchanged base first): chr9-6553458-CT-C. GRCh37 (hg19) VCF-style: chr9-6553458-CT-C.
Other names: short protein forms K789fs.
Identifiers: ClinVar variation 1724599 (VCV001724599.2), dbSNP rs2489031850, ClinGen allele CA2580080233.

ClinVar aggregate classification (germline): Likely pathogenic (1 of 4 stars; one submission).

Conditions:
Glycine encephalopathy. Also called: Non-ketotic hyperglycinemia; Nonketotic hyperglycinemia. Identifiers: Orphanet 407, MedGen C0751748, MONDO:0011612, HP:0008288.

Submission:

Myriad Genetics, Inc.
Classification: Likely pathogenic for Glycine encephalopathy 1. Last evaluated: 2022-02-20. Review status: criteria provided, single submitter. Criteria: Myriad Women's Health Autosomal Recessive and X-Linked Classification Criteria (2021). Collection method: clinical testing. Allele origin: unknown.
Comment: NM_000170.2(GLDC):c.2366delA(K789Sfs*32) is expected to be pathogenic in the context of glycine encephalopathy, GLDC-related. This variant is predicted to lead to an abnormal or absent protein product due to the creation of a premature termination codon in GLDC, a gene where loss-of-function variants are known to be pathogenic. Please note: this variant was assessed in the context of healthy population screening.